The following is an entry in ClinVar:

NM_133261.3(GIPC3):c.821C>G (p.Ala274Gly)

Gene: GIPC3 (GIPC PDZ domain containing family member 3; plus strand). Cytogenetic location: 19p13.3.
Variant type: single nucleotide variant.
Coding change: c.821C>G on transcript NM_133261.3 (MANE Select); coding-DNA position 821, C replaced by G.
Protein change: p.Ala274Gly; replaces alanine 274 with glycine.
Molecular consequence: missense variant.
Genome position (GRCh38, 1-based): chr19:3,590,072, C>G. VCF-style: chr19-3590072-C-G. GRCh37 (hg19) VCF-style: chr19-3590070-C-G.
Other names: c.834C>G, p.Ser278Arg (NM_001411144.1); short protein forms A274G, S278R.
Identifiers: ClinVar variation 2502750 (VCV002502750.2), dbSNP rs149028750, ClinGen allele CA403364997.

ClinVar aggregate classification (germline): Uncertain significance. Review status: criteria provided, multiple submitters, no conflicts (2 of 4 stars). 2 submissions from 2 submitters: Uncertain significance (2). Last evaluated 2025-09-05.

Conditions:
Inborn genetic diseases. Identifiers: MedGen C0950123, MeSH D030342.

gnomAD v4.1: 2 of 1,611,342 alleles (0.00012%); highest among the groups gnomAD compares: African/African-American, 0.0027%; no homozygotes.

Submissions (2):

Ambry Genetics
Classification: Uncertain significance for Inborn genetic diseases. Last evaluated: 2025-09-05. Review status: criteria provided, single submitter. Criteria: Ambry Variant Classification Scheme 2023. Collection method: clinical testing. Allele origin: germline.

GeneDx
Classification: Uncertain significance. Last evaluated: 2022-11-18. Review status: criteria provided, single submitter. Criteria: GeneDx Variant Classification Process June 2021. Collection method: clinical testing. Allele origin: germline. Affected: yes.
Comment: Not observed at significant frequency in large population cohorts (gnomAD); In silico analysis supports that this missense variant does not alter protein structure/function; Has not been previously published as pathogenic or benign to our knowledge